The following is an entry in ClinVar:

GRCh37/hg19 20p13-q11.21(chr20:80198-26208081)x3

Genes: CST11 (cystatin 11; minus strand), FLRT3 (fibronectin leucine rich transmembrane protein 3; minus strand), FOXA2 (forkhead box A2; minus strand), LZTS3 (leucine zipper tumor suppressor family member 3; minus strand), PCED1A (PC-esterase domain containing 1A; minus strand) and 175 more. Cytogenetic location: 20p13-q11.21.
Variant type: copy number gain.
Change: copy number 3 (three copies instead of two) of chr20:80,198-26,208,081 (26.13 Mb, GRCh37 coordinates, 1-based), cytogenetic band 20p13-q11.21.
Identifiers: ClinVar variation 424642 (VCV000424642.3).

ClinVar aggregate classification (germline): Pathogenic (1 of 4 stars; one submission).

Submission:

Institute of Human Genetics, University of Goettingen
Classification: Pathogenic. Last evaluated: 2017-01-04. Review status: criteria provided, single submitter. Criteria: Institute of Human Genetics, HUG, CNV Assertion criteria, 20170113. Collection method: clinical testing. Allele origin: unknown. Affected: yes. Observed: 1 variant allele.
Comment: must be pathogenic regarding the duplication size; there are patients described with trisomy 20p (PMID:23612255) and it was pathogenic

Literature cited by the submitters: PubMed 23612255.